The following is an entry in ClinVar:

ClinVar aggregate classification (germline): Uncertain significance (1 of 4 stars; one submission).

Conditions:
Inborn genetic diseases. Identifiers: MedGen C0950123, MeSH D030342.

Submission:

Ambry Genetics
Classification: Uncertain significance for Inborn genetic diseases. Last evaluated: 2022-10-04. Review status: criteria provided, single submitter. Criteria: Ambry Variant Classification Scheme 2023. Collection method: clinical testing. Allele origin: germline.
Comment: The p.V1418I variant (also known as c.4252G>A), located in coding exon 30 of the LRRK2 gene, results from a G to A substitution at nucleotide position 4252. The valine at codon 1418 is replaced by isoleucine, an amino acid with highly similar properties. This amino acid position is conserved. In addition, the in silico prediction for this alteration is inconclusive. Since supporting evidence is limited at this time, the clinical significance of this alteration remains unclear.

NM_198578.4(LRRK2):c.4252G>A (p.Val1418Ile)

Gene: LRRK2 (leucine rich repeat kinase 2; plus strand). Cytogenetic location: 12q12.
Variant type: single nucleotide variant.
Coding change: c.4252G>A on transcript NM_198578.4 (MANE Select); coding-DNA position 4252, G replaced by A.
Protein change: p.Val1418Ile; replaces valine 1418 with isoleucine.
Molecular consequence: missense variant.
Genome position (GRCh38, 1-based): chr12:40,309,168, G>A. VCF-style: chr12-40309168-G-A. GRCh37 (hg19) VCF-style: chr12-40702970-G-A.
Other names: short protein forms V1418I.
Identifiers: ClinVar variation 1739102 (VCV001739102.2), dbSNP rs2499818154, ClinGen allele CA384418094.